The following is an entry in ClinVar:

ClinVar aggregate classification (germline): Uncertain significance (1 of 4 stars; one submission).

Submission:

GeneDx
Classification: Uncertain significance. Last evaluated: 2023-10-07. Review status: criteria provided, single submitter. Criteria: GeneDx Variant Classification Process June 2021. Collection method: clinical testing. Allele origin: germline. Affected: yes.
Comment: Has not been previously reported in peer-reviewed literature as pathogenic or benign to our knowledge. However, this variant has been reported in a patient with intellectual disability in an abstract by Carter et al. (2020).; In silico analysis supports that this missense variant has a deleterious effect on protein structure/function; Not observed at significant frequency in large population cohorts (gnomAD); This variant is associated with the following publications: (PMID: 32153128)

NM_000240.4(MAOA):c.1327G>A (p.Gly443Ser)

Gene: MAOA (monoamine oxidase A; plus strand). Cytogenetic location: Xp11.3.
Variant type: single nucleotide variant.
Coding change: c.1327G>A on transcript NM_000240.4 (MANE Select); coding-DNA position 1327, G replaced by A.
Protein change: p.Gly443Ser; replaces glycine 443 with serine.
Molecular consequence: missense variant.
Genome position (GRCh38, 1-based): chrX:43,743,858, G>A. VCF-style: chrX-43743858-G-A. GRCh37 (hg19) VCF-style: chrX-43603105-G-A.
Other names: c.928G>A, p.Gly310Ser (NM_001270458.2); short protein forms G310S, G443S.
Identifiers: ClinVar variation 3340552 (VCV003340552.1).
Genomic context (GRCh38, chrX:43,743,858, plus strand): 5'-ATTCGTCAACCCGTGGGCAGGATTTTCTTTGCGGGCACAGAGACTGCCACAAAGTGGAGC[G>A]GCTACATGGAAGGGGCAGTTGAGGCTGGAGAACGAGCAGCTAGGGAGGTAAGCAGGAAAG-3'
Protein context (NP_000231.1, residues 433-453): AGTETATKWS[Gly443Ser]YMEGAVEAGE